The following is an entry in ClinVar:

ClinVar aggregate classification (germline): Benign. Review status: criteria provided, multiple submitters, no conflicts (2 of 4 stars). 2 submissions from 2 submitters: Benign (2). Last evaluated 2018-06-14.

Allele frequency attached by ClinVar (database versions not stated): 1000 Genomes Project 30x 0.29685; 1000 Genomes Project 0.29892; gnomAD exomes 0.31787 and 0.35296; TOPMed 0.31854; gnomAD 0.33041 and 0.33083; ExAC 0.42500.
gnomAD v4.1: 493,196 of 1,408,882 alleles (35%); highest among the groups gnomAD compares: Non-Finnish European, 36%; 87,848 homozygotes.

Submissions (2):

GeneDx
Classification: Benign. Last evaluated: 2018-06-14. Review status: criteria provided, single submitter. Criteria: GeneDx Variant Classification (06012015). Collection method: clinical testing. Allele origin: germline. Affected: yes.
Comment: This variant is considered likely benign or benign based on one or more of the following criteria: it is a conservative change, it occurs at a poorly conserved position in the protein, it is predicted to be benign by multiple in silico algorithms, and/or has population frequency not consistent with disease.

Breakthrough Genomics
Classification: Benign. Review status: criteria provided, single submitter. Criteria: ACMG Guidelines, 2015. Collection method: not provided. Allele origin: germline. Inheritance: Autosomal recessive inheritance. Affected: yes.

NM_001171155.2(PET100):c.139-221G>A

Genes: PET100 (PET100 cytochrome c oxidase chaperone; plus strand), STXBP2 (syntaxin binding protein 2; plus strand). Cytogenetic location: 19p13.2.
Variant type: single nucleotide variant.
Coding change: c.139-221G>A on transcript NM_001171155.2 (MANE Select); 221 bases into the intron before coding-DNA position 139, G replaced by A.
Molecular consequence: intron variant. On other transcripts: non-coding transcript variant (1).
Genome position (GRCh38, 1-based): chr19:7,631,252, G>A. VCF-style: chr19-7631252-G-A. GRCh37 (hg19) VCF-style: chr19-7696138-G-A.
Identifiers: ClinVar variation 683462 (VCV000683462.2), dbSNP rs11882197, ClinGen allele CA9142857.